The following is an entry in ClinVar:

ClinVar aggregate classification (germline): Conflicting classifications of pathogenicity. Review status: criteria provided, conflicting classifications (1 of 4 stars). 6 submissions from 6 submitters: Uncertain significance (1); Likely benign (4). 1 of the submissions does not count toward it. Last evaluated 2025-11-25.

Conditions:
RASopathy. Also called: Noonan spectrum disorder; rasopathies. Identifiers: Orphanet 536391, MedGen C5555857, MONDO:0021060.
Cardiovascular phenotype. Identifiers: MedGen CN230736.
PTPN11-related disorder. Also called: PTPN11-Related Disorders.

Allele frequency attached by ClinVar (database versions not stated): TOPMed 0.00005; gnomAD 0.00006 and 0.00007.
gnomAD v4.1: 94 of 1,613,878 alleles (0.0058%); highest among the groups gnomAD compares: South Asian, 0.052%; no homozygotes.

Submissions (6):

Labcorp Genetics (formerly Invitae), Labcorp
Classification: Likely benign for RASopathy. Last evaluated: 2025-11-25. Review status: criteria provided, single submitter. Criteria: Invitae Variant Classification Sherloc (09022015). Collection method: clinical testing. Allele origin: germline.

Ambry Genetics
Classification: Likely benign for Cardiovascular phenotype. Last evaluated: 2020-01-17. Review status: criteria provided, single submitter. Criteria: Ambry Variant Classification Scheme 2023. Collection method: clinical testing. Allele origin: germline.

Women's Health and Genetics/Laboratory Corporation of America, LabCorp
Classification: Likely benign. Last evaluated: 2019-11-22. Review status: criteria provided, single submitter. Criteria: LabCorp Variant Classification Summary - May 2015. Collection method: clinical testing. Allele origin: germline.

GeneDx
Classification: Likely benign. Last evaluated: 2018-03-13. Review status: criteria provided, single submitter. Criteria: GeneDx Variant Classification (06012015). Collection method: clinical testing. Allele origin: germline. Affected: yes.
Comment: This variant is considered likely benign or benign based on one or more of the following criteria: it is a conservative change, it occurs at a poorly conserved position in the protein, it is predicted to be benign by multiple in silico algorithms, and/or has population frequency not consistent with disease.

Eurofins Ntd Llc (ga)
Classification: Uncertain significance. Last evaluated: 2016-03-28. Review status: criteria provided, single submitter. Criteria: EGL Classification Definitions 2015. Collection method: clinical testing. Allele origin: germline. Observed: 1 variant allele, 1 heterozygote.

PreventionGenetics, part of Exact Sciences
Classification: Likely benign for PTPN11-related condition. Last evaluated: 2020-02-11. Review status: no assertion criteria provided. Collection method: clinical testing. Allele origin: germline. Not counted in ClinVar's aggregate classification.
Comment: This variant is classified as likely benign based on ACMG/AMP sequence variant interpretation guidelines (Richards et al. 2015 PMID: 25741868, with internal and published modifications).

NM_002834.5(PTPN11):c.132C>T (p.Ser44=)

Gene: PTPN11 (protein tyrosine phosphatase non-receptor type 11; plus strand). Cytogenetic location: 12q24.13.
Variant type: single nucleotide variant.
Coding change: c.132C>T on transcript NM_002834.5 (MANE Select); coding-DNA position 132, C replaced by T.
Protein change: p.Ser44=; no amino-acid change (serine 44 retained).
Molecular consequence: synonymous variant.
Genome position (GRCh38, 1-based): chr12:112,446,393, C>T. VCF-style: chr12-112446393-C-T. GRCh37 (hg19) VCF-style: chr12-112884197-C-T.
Other names: c.132C>T (NM_002834.4); c.132C>T, p.Ser44= (NM_001330437.2, NM_001374625.1, NM_080601.3).
Identifiers: ClinVar variation 287230 (VCV000287230.19), dbSNP rs397507502, ClinGen allele CA6798515.